The following is an entry in ClinVar:

NM_001378778.1(MPDZ):c.6094A>T (p.Lys2032Ter)

Gene: MPDZ (multiple PDZ domain crumbs cell polarity complex component; minus strand). Cytogenetic location: 9p23.
Variant type: single nucleotide variant.
Coding change: c.6094A>T on transcript NM_001378778.1 (MANE Select); coding-DNA position 6094, A replaced by T.
Protein change: p.Lys2032Ter; replaces lysine 2032 with a stop codon.
Molecular consequence: nonsense.
Genome position (GRCh38, 1-based): chr9:13,107,084, T>A on the plus strand (A>T on the coding strand, the complement: MPDZ is on the minus strand). VCF-style: chr9-13107084-T-A. GRCh37 (hg19) VCF-style: chr9-13107083-T-A.
Other names: c.5995A>T, p.Lys1999Ter (NM_001261406.2, NM_001375416.1, NM_001375417.1 and 1 more transcripts); c.5908A>T, p.Lys1970Ter (NM_001261407.2, NM_001375419.1); c.6094A>T, p.Lys2032Ter (NM_001330637.2); c.6193A>T, p.Lys2065Ter (NM_001375413.1); c.5884A>T, p.Lys1962Ter (NM_001375420.1, NM_001375421.1, NM_001375422.1 and 2 more transcripts); c.5797A>T, p.Lys1933Ter (NM_001375425.1, NM_001375426.1); c.5686A>T, p.Lys1896Ter (NM_001375427.1); c.6007A>T, p.Lys2003Ter (NM_003829.5); and 1 more; short protein forms K1896*, K1933*, K1962*, K1970*, K1999*, K2003*, K2032*, K2065*.
Identifiers: ClinVar variation 998455 (VCV000998455.7), dbSNP rs749135989, ClinGen allele CA4985953.

ClinVar aggregate classification (germline): Uncertain significance. Review status: criteria provided, multiple submitters, no conflicts (2 of 4 stars). 2 submissions from 2 submitters: Uncertain significance (2). Last evaluated 2024-11-05.

Conditions:
Inborn genetic diseases. Identifiers: MedGen C0950123, MeSH D030342.

Allele frequency attached by ClinVar (database versions not stated): TOPMed 0.00005; gnomAD 0.00001; ExAC 0.00002.
gnomAD v4.1: 31 of 1,582,548 alleles (0.002%); highest among the groups gnomAD compares: Admixed American, 0.044%; no homozygotes.

Submissions (2):

Labcorp Genetics (formerly Invitae), Labcorp
Classification: Uncertain significance. Last evaluated: 2024-11-05. Review status: criteria provided, single submitter. Criteria: Invitae Variant Classification Sherloc (09022015). Collection method: clinical testing. Allele origin: germline.
Comment: This sequence change creates a premature translational stop signal (p.Lys2003*) in the MPDZ gene. While this is not anticipated to result in nonsense mediated decay, it is expected to disrupt the last 39 amino acid(s) of the MPDZ protein. This variant is present in population databases (rs749135989, gnomAD 0.05%). This variant has not been reported in the literature in individuals affected with MPDZ-related conditions. ClinVar contains an entry for this variant (Variation ID: 998455). Experimental studies and prediction algorithms are not available or were not evaluated, and the functional significance of this variant is currently unknown. In summary, the available evidence is currently insufficient to determine the role of this variant in disease. Therefore, it has been classified as a Variant of Uncertain Significance.

Ambry Genetics
Classification: Uncertain significance for Inborn genetic diseases. Last evaluated: 2022-05-25. Review status: criteria provided, single submitter. Criteria: Ambry Variant Classification Scheme 2023. Collection method: clinical testing. Allele origin: germline.
Comment: Not expected to trigger nonsense-mediated mRNA decay Based on insufficient or conflicting evidence, the clinical significance of this alteration remains unclear.